The following is an entry in ClinVar:

NM_000631.5(NCF4):c.759-48C>T

Gene: NCF4 (neutrophil cytosolic factor 4; plus strand). Cytogenetic location: 22q12.3.
Variant type: single nucleotide variant.
Coding change: c.759-48C>T on transcript NM_000631.5 (MANE Select); 48 bases into the intron before coding-DNA position 759, C replaced by T.
Molecular consequence: intron variant. On other transcripts: missense variant (1).
Genome position (GRCh38, 1-based): chr22:36,875,981, C>T. VCF-style: chr22-36875981-C-T. GRCh37 (hg19) VCF-style: chr22-37272023-C-T.
Other names: c.956C>T, p.Pro319Leu (NM_013416.4); c.956C>T (NM_013416.3); short protein forms P319L.
Identifiers: ClinVar variation 1060736 (VCV001060736.7), dbSNP rs200504193, ClinGen allele CA10213196.

ClinVar aggregate classification (germline): Uncertain significance. Review status: criteria provided, multiple submitters, no conflicts (2 of 4 stars). 2 submissions from 2 submitters: Uncertain significance (2). Last evaluated 2025-03-17.

Conditions:
Granulomatous disease, chronic, autosomal recessive, cytochrome b-positive, type 3. Also called: GRANULOMATOUS DISEASE, CHRONIC, DUE TO NCF4 DEFICIENCY; CGD, AUTOSOMAL RECESSIVE CYTOCHROME b-POSITIVE, TYPE III; Granulomatous disease, chronic, autosomal recessive, cytochrome b-positive, type III; GRANULOMATOUS DISEASE, CHRONIC, AUTOSOMAL RECESSIVE, 3. Identifiers: Orphanet 379, MedGen C3151409, MONDO:0013507, OMIM 613960.

Allele frequency attached by ClinVar (database versions not stated): gnomAD exomes 0.00001; ExAC 0.00002; TOPMed 0.00006; gnomAD 0.00007; 1000 Genomes Project 30x 0.00016; 1000 Genomes Project 0.00020.
gnomAD v4.1: 14 of 1,613,990 alleles (0.00087%); highest among the groups gnomAD compares: African/African-American, 0.017%; no homozygotes.

Submissions (2):

Ambry Genetics
Classification: Uncertain significance. Last evaluated: 2025-03-17. Review status: criteria provided, single submitter. Criteria: Ambry Variant Classification Scheme 2023. Collection method: clinical testing. Allele origin: germline.

Labcorp Genetics (formerly Invitae), Labcorp
Classification: Uncertain significance for Granulomatous disease, chronic, autosomal recessive, cytochrome b-positive, type 3. Last evaluated: 2021-08-30. Review status: criteria provided, single submitter. Criteria: Invitae Variant Classification Sherloc (09022015). Collection method: clinical testing. Allele origin: germline.
Comment: This sequence change replaces proline with leucine at codon 319 of the NCF4 protein (p.Pro319Leu). The proline residue is weakly conserved and there is a moderate physicochemical difference between proline and leucine. This variant is present in population databases (rs200504193, ExAC 0.02%). This variant has not been reported in the literature in individuals affected with NCF4-related conditions. Algorithms developed to predict the effect of missense changes on protein structure and function are either unavailable or do not agree on the potential impact of this missense change (SIFT: "Deleterious"; PolyPhen-2: "Possibly Damaging"; Align-GVGD: "Class C0"). In summary, the available evidence is currently insufficient to determine the role of this variant in disease. Therefore, it has been classified as a Variant of Uncertain Significance.